The following is an entry in ClinVar:

ClinVar aggregate classification (germline): Uncertain significance (1 of 4 stars; one submission).

Submission:

GeneDx
Classification: Uncertain significance. Last evaluated: 2024-10-08. Review status: criteria provided, single submitter. Criteria: GeneDx Variant Classification Process June 2021. Collection method: clinical testing. Allele origin: germline. Affected: yes.
Comment: Not observed at significant frequency in large population cohorts (gnomAD); In silico analysis supports that this missense variant has a deleterious effect on protein structure/function; Has not been previously published as pathogenic or benign to our knowledge

NM_170682.4(P2RX2):c.434G>T (p.Gly145Val)

Gene: P2RX2 (purinergic receptor P2X 2; plus strand). Cytogenetic location: 12q24.33.
Variant type: single nucleotide variant.
Coding change: c.434G>T on transcript NM_170682.4 (MANE Select); coding-DNA position 434, G replaced by T.
Protein change: p.Gly145Val; replaces glycine 145 with valine.
Molecular consequence: missense variant. On other transcripts: intron variant (1).
Genome position (GRCh38, 1-based): chr12:132,619,896, G>T. VCF-style: chr12-132619896-G-T. GRCh37 (hg19) VCF-style: chr12-133196482-G-T.
Other names: c.362G>T, p.Gly121Val (NM_001282164.2, NM_016318.4); c.434G>T, p.Gly145Val (NM_001282165.2, NM_170683.4, NM_174873.3); c.158G>T, p.Gly53Val (NM_174872.3); c.242-104G>T (NM_012226.5); short protein forms G121V, G145V, G53V.
Identifiers: ClinVar variation 3777424 (VCV003777424.1).
Genomic context (GRCh38, chr12:132,619,896, plus strand): 5'-CACCCTAGAGCATAAGGGTCCACAACGCCACCTGCCTCTCCGACGCCGACTGCGTGGCTG[G>T]GGAGCTGGACATGCTGGGAAACGGTCGGTGTGCGCCAGCTGGGGCTGGGCGGGTGGGGCA-3'
Protein context (NP_733782.1, residues 135-155): TCLSDADCVA[Gly145Val]ELDMLGNGLR